The following is an entry in ClinVar:

NM_000384.3(APOB):c.6136G>A (p.Val2046Ile)

Gene: APOB (apolipoprotein B; minus strand). Cytogenetic location: 2p24.1.
Variant type: single nucleotide variant.
Coding change: c.6136G>A on transcript NM_000384.3 (MANE Select); coding-DNA position 6136, G replaced by A.
Protein change: p.Val2046Ile; replaces valine 2046 with isoleucine.
Molecular consequence: missense variant.
Genome position (GRCh38, 1-based): chr2:21,010,732, C>T on the plus strand (G>A on the coding strand, the complement: APOB is on the minus strand). VCF-style: chr2-21010732-C-T. GRCh37 (hg19) VCF-style: chr2-21233604-C-T.
Other names: short protein forms V2046I.
Identifiers: ClinVar variation 237748 (VCV000237748.46), dbSNP rs72653084, ClinGen allele CA062933.
Genomic context (GRCh38, chr2:21,010,732, plus strand): 5'-CATCTTGGTTTTTATCATACTTTACAAAAGCAACAATTGTAAATTCTTGGGGCTTCTCAA[C>T]GGCATCTCTCATCTCTAAAGCATCAATGATATTGATGGGCTCACTGAGTAAAAGTGGCAC-3'
Protein context (NP_000375.3, residues 2036-2056): IIDALEMRDA[Val2046Ile]EKPQEFTIVA

ClinVar aggregate classification (germline): Conflicting classifications of pathogenicity. Review status: criteria provided, conflicting classifications (1 of 4 stars). 8 submissions from 7 submitters: Uncertain significance (2); Benign (1); Likely benign (5). Last evaluated 2026-07-01.

Conditions:
Cardiovascular phenotype. Identifiers: MedGen CN230736.
Familial hypobetalipoproteinemia 1. Also called: Hypobetalipoproteinemia, normotriglyceridemic; Acanthocytosis with hypobetalipoproteinemia; APOB-Related Familial Hypobetalipoproteinemia. Identifiers: MedGen C4551990, MONDO:0014252, OMIM 615558.
Hypercholesterolemia, autosomal dominant, type B (FHCL2). Also called: APOB-Related Familial Hypercholesterolemia, Autosomal Dominant; Familial hypercholesterolemia 2; APOLIPOPROTEIN B-100, FAMILIAL DEFECTIVE; APOLIPOPROTEIN B-100, FAMILIAL LIGAND-DEFECTIVE; Familial Hypercholesterolemia Type B; Hyperlipoproteinemia Type IIb. Identifiers: MedGen C1704417, MONDO:0007751, OMIM 144010.

Allele frequency attached by ClinVar (database versions not stated): gnomAD 0.00035; ESP Exome Variant Server 0.00038; TOPMed 0.00025; ExAC 0.00027; gnomAD exomes 0.00034.
gnomAD v4.1: 299 of 1,613,980 alleles (0.019%); highest among the groups gnomAD compares: African/African-American, 0.044%; 1 homozygote.

Submissions (8):

CeGaT Center for Human Genetics Tuebingen
Classification: Likely benign. Last evaluated: 2026-07-01. Review status: criteria provided, single submitter. Criteria: CeGaT Center For Human Genetics Tuebingen Variant Classification Criteria Version 2. Collection method: clinical testing. Allele origin: germline. Affected: yes. Observed: 6 variant alleles.
Comment: APOB: BP4

Labcorp Genetics (formerly Invitae), Labcorp
Classification: Benign for Familial hypobetalipoproteinemia 1; Hypercholesterolemia, autosomal dominant, type B. Last evaluated: 2026-02-03. Review status: criteria provided, single submitter. Criteria: Invitae Variant Classification Sherloc (09022015). Collection method: clinical testing. Allele origin: germline.

Quest Diagnostics Nichols Institute San Juan Capistrano
Classification: Likely benign. Last evaluated: 2025-03-31. Review status: criteria provided, single submitter. Criteria: Quest Diagnostics criteria. Collection method: clinical testing. Allele origin: unknown.

Blueprint Genetics
Classification: Likely benign. Last evaluated: 2024-09-24. Review status: criteria provided, single submitter. Criteria: ACMG Guidelines, 2015. Collection method: clinical testing. Allele origin: germline.

GeneDx
Classification: Likely benign. Last evaluated: 2020-09-09. Review status: criteria provided, single submitter. Criteria: GeneDx Variant Classification Process June 2021. Collection method: clinical testing. Allele origin: germline. Affected: yes.

Ambry Genetics
Classification: Likely benign for Cardiovascular phenotype. Last evaluated: 2020-06-01. Review status: criteria provided, single submitter. Criteria: Ambry Variant Classification Scheme 2023. Collection method: clinical testing. Allele origin: germline.

Illumina Laboratory Services, Illumina
Classification: Uncertain significance for Familial hypobetalipoproteinemia 1. Last evaluated: 2018-01-13. Review status: criteria provided, single submitter. Criteria: ICSL Variant Classification Criteria 13 December 2019. Collection method: clinical testing. Allele origin: germline.

Illumina Laboratory Services, Illumina
Classification: Uncertain significance for Hypercholesterolemia, autosomal dominant, type B. Last evaluated: 2018-01-13. Review status: criteria provided, single submitter. Criteria: ICSL Variant Classification Criteria 13 December 2019. Collection method: clinical testing. Allele origin: germline.

Literature cited by the submitters: PubMed 30122538 (cited by Quest Diagnostics Nichols Institute San Juan Capistrano); PubMed 27153395 (cited by Quest Diagnostics Nichols Institute San Juan Capistrano).